The following is an entry in ClinVar:

ClinVar aggregate classification (germline): Uncertain significance (1 of 4 stars; one submission).

Conditions:
FANCI-related disorder. Also called: FANCI-related condition.

Submission:

PreventionGenetics, part of Exact Sciences
Classification: Uncertain significance for FANCI-related condition. Last evaluated: 2026-09-21. Review status: criteria provided, single submitter. Criteria: ACMG Guidelines, 2015. Collection method: clinical testing. Allele origin: germline.
Comment: The FANCI c.2219_2221delATA variant is predicted to result in an in-frame deletion (p.Asn740del). To our knowledge, this variant has not been reported in the literature or in a large population database (gnomAD), indicating this variant is rare. At this time, the clinical significance of this variant is uncertain due to the absence of conclusive functional and genetic evidence.

NM_001113378.2(FANCI):c.2216ATA[1] (p.Asn740del)

Gene: FANCI (FA complementation group I; plus strand). Cytogenetic location: 15q26.1.
Variant type: Microsatellite.
Coding change: c.2216ATA[1] on transcript NM_001113378.2 (MANE Select); one copy of the 3-base unit ATA starting at c.2216; the reference has two copies in a row; one copy, 3 bases deleted.
Protein change: p.Asn740del; deletes asparagine 740.
Molecular consequence: inframe deletion. On other transcripts: inframe indel (2).
Genome position (GRCh38, 1-based): chr15:89,292,991-89,292,993, ATA deleted; deleting any 3 consecutive bases within chr15:89,292,987-89,292,993 gives the same sequence; the position shown is the placement nearest the transcript's 3' end. VCF-style (leftmost placement, unchanged base first): chr15-89292986-AAAT-A. GRCh37 (hg19) VCF-style: chr15-89836217-AAAT-A.
Other names: c.2216_2218ATA[1], p.Asn740del (NM_001113378.1); c.1937ATA[1], p.Asn647del (NM_001376910.1); c.2216ATA[1], p.Asn740del (NM_001376911.1, NM_018193.3); c.2219_2221delATA (NM_001113378.1); short protein forms N740del, N647del.
Identifiers: ClinVar variation 4995983 (VCV004995983.1).